The following is an entry in ClinVar:

ClinVar aggregate classification (germline): Conflicting classifications of pathogenicity. Review status: criteria provided, conflicting classifications (1 of 4 stars). 2 submissions from 2 submitters: Uncertain significance (1); Likely benign (1). Last evaluated 2024-06-17.

Conditions:
Congenital glaucoma. Identifiers: MedGen C0020302, MONDO:0020366.

Submissions (2):

Women's Health and Genetics/Laboratory Corporation of America, LabCorp
Classification: Uncertain significance. Last evaluated: 2024-06-17. Review status: criteria provided, single submitter. Criteria: LabCorp Variant Classification Summary - May 2015. Collection method: clinical testing. Allele origin: germline.
Comment: Variant summary: CYP1B1 c.958G>C (p.Val320Leu) results in a conservative amino acid change in the encoded protein sequence. Three of five in-silico tools predict a benign effect of the variant on protein function. The variant was absent in 248424 control chromosomes. The available data on variant occurrences in the general population are insufficient to allow any conclusion about variant significance. c.958G>C has been reported in the literature in individuals affected with Primary Congenital Glaucoma without evidence for causality. These report(s) do not provide unequivocal conclusions about association of the variant with Primary Congenital Glaucoma. To our knowledge, no experimental evidence demonstrating an impact on protein function has been reported. The following publication have been ascertained in the context of this evaluation (PMID: 24227805). ClinVar contains an entry for this variant (Variation ID: 2988516). Based on the evidence outlined above, the variant was classified as uncertain significance.

Labcorp Genetics (formerly Invitae), Labcorp
Classification: Likely benign for Congenital glaucoma. Last evaluated: 2023-03-04. Review status: criteria provided, single submitter. Criteria: Invitae Variant Classification Sherloc (09022015). Collection method: clinical testing. Allele origin: germline.

Literature cited by the submitters: PubMed 24227805 (cited by Women's Health and Genetics/Laboratory Corporation of America, LabCorp).

NM_000104.4(CYP1B1):c.958G>C (p.Val320Leu)

Gene: CYP1B1 (cytochrome P450 family 1 subfamily B member 1; minus strand). Cytogenetic location: 2p22.2.
Variant type: single nucleotide variant.
Coding change: c.958G>C on transcript NM_000104.4 (MANE Select); coding-DNA position 958, G replaced by C.
Protein change: p.Val320Leu; replaces valine 320 with leucine.
Molecular consequence: missense variant.
Genome position (GRCh38, 1-based): chr2:38,074,431, C>G on the plus strand (G>C on the coding strand, the complement: CYP1B1 is on the minus strand). VCF-style: chr2-38074431-C-G. GRCh37 (hg19) VCF-style: chr2-38301574-C-G.
Other names: short protein forms V320L.
Identifiers: ClinVar variation 2988516 (VCV002988516.4), dbSNP rs72549382, ClinGen allele CA45510259.